The following is an entry in ClinVar:

ClinVar aggregate classification (germline): Pathogenic/Likely pathogenic. Review status: criteria provided, multiple submitters, no conflicts (2 of 4 stars). 2 submissions from 2 submitters: Pathogenic (1); Likely pathogenic (1). Last evaluated 2024-09-11.

Conditions:
Severe early-childhood-onset retinal dystrophy (STGD1). Also called: Stargardt macular dystrophy; Juvenile onset macular degeneration; Stargardt disease 1; MACULAR DYSTROPHY WITH FLECKS, TYPE 1; STGD. Identifiers: Orphanet 364055, Orphanet 827, MedGen C1855465, MeSH D000080362, MONDO:0009549, OMIM 248200.

Submissions (2):

Labcorp Genetics (formerly Invitae), Labcorp
Classification: Pathogenic. Last evaluated: 2024-09-11. Review status: criteria provided, single submitter. Criteria: Invitae Variant Classification Sherloc (09022015). Collection method: clinical testing. Allele origin: germline.
Comment: This sequence change creates a premature translational stop signal (p.Gly1110Argfs*65) in the ABCA4 gene. It is expected to result in an absent or disrupted protein product. Loss-of-function variants in ABCA4 are known to be pathogenic (PMID: 10958761, 24938718, 25312043, 26780318). This variant is not present in population databases (gnomAD no frequency). This variant has not been reported in the literature in individuals affected with ABCA4-related conditions. For these reasons, this variant has been classified as Pathogenic.

3billion
Classification: Likely pathogenic for Severe early-childhood-onset retinal dystrophy. Last evaluated: 2023-09-20. Review status: criteria provided, single submitter. Criteria: ACMG Guidelines, 2015. Collection method: clinical testing. Allele origin: germline. Affected: yes.
Comment: The variant is not observed in the gnomAD v2.1.1 dataset. Predicted Consequence/Location: Frameshift: predicted to result in a loss or disruption of normal protein function through nonsense-mediated decay (NMD) or protein truncation. Multiple pathogenic variants are reported downstream of the variant. Therefore, this variant is classified as Likely pathogenic according to the recommendation of ACMG/AMP guideline.

Literature cited by the submitters: PubMed 10958761 (cited by Labcorp Genetics (formerly Invitae), Labcorp); PubMed 24938718 (cited by Labcorp Genetics (formerly Invitae), Labcorp); PubMed 25312043 (cited by Labcorp Genetics (formerly Invitae), Labcorp); PubMed 26780318 (cited by Labcorp Genetics (formerly Invitae), Labcorp).

NM_000350.3(ABCA4):c.3326dup (p.Gly1110fs)

Gene: ABCA4 (ATP binding cassette subfamily A member 4; minus strand). Cytogenetic location: 1p22.1.
Variant type: Duplication.
Coding change: c.3326dup on transcript NM_000350.3 (MANE Select); coding-DNA position 3326, one base duplicated (C; older notation c.3326dupC).
Protein change: p.Gly1110fs; shifts the reading frame from glycine 1110.
Molecular consequence: frameshift variant.
Genome position (GRCh38, 1-based): chr1:94,042,763, G duplicated on the plus strand (C on the coding strand, the reverse complement: ABCA4 is on the minus strand). VCF-style (leftmost placement, unchanged base first): chr1-94042762-T-TG. GRCh37 (hg19) VCF-style: chr1-94508318-T-TG.
Other names: c.3104dup, p.Gly1036fs (NM_001425324.1); short protein forms G1036fs, G1110fs.
Identifiers: ClinVar variation 3659493 (VCV003659493.3).